The following is an entry in ClinVar:

ClinVar aggregate classification (germline): Uncertain significance (1 of 4 stars; one submission).

Conditions:
Deficiency of alpha-mannosidase (MANSA). Also called: Alpha-Mannosidosis; Mannosidosis, alpha-, types I and II; LYSOSOMAL ALPHA-D-MANNOSIDASE DEFICIENCY. Identifiers: Orphanet 61, MedGen C0024748, MONDO:0009561, OMIM 248500.

Allele frequency attached by ClinVar (database versions not stated): gnomAD exomes below 0.00001.
gnomAD v4.1: 1 of 1,614,182 alleles (0.000062%); highest among the groups gnomAD compares: Admixed American, 0.0017%; no homozygotes.

Submission:

Labcorp Genetics (formerly Invitae), Labcorp
Classification: Uncertain significance for Deficiency of alpha-mannosidase. Last evaluated: 2021-09-01. Review status: criteria provided, single submitter. Criteria: Invitae Variant Classification Sherloc (09022015). Collection method: clinical testing. Allele origin: germline.
Comment: This sequence change replaces valine with glutamic acid at codon 75 of the MAN2B1 protein (p.Val75Glu). The valine residue is highly conserved and there is a moderate physicochemical difference between valine and glutamic acid. This variant is not present in population databases (ExAC no frequency). This variant has not been reported in the literature in individuals affected with MAN2B1-related conditions. Algorithms developed to predict the effect of missense changes on protein structure and function (SIFT, PolyPhen-2, Align-GVGD) all suggest that this variant is likely to be disruptive. In summary, the available evidence is currently insufficient to determine the role of this variant in disease. Therefore, it has been classified as a Variant of Uncertain Significance.

NM_000528.4(MAN2B1):c.224T>A (p.Val75Glu)

Gene: MAN2B1 (mannosidase alpha class 2B member 1; minus strand). Cytogenetic location: 19p13.13.
Variant type: single nucleotide variant.
Coding change: c.224T>A on transcript NM_000528.4 (MANE Select); coding-DNA position 224, T replaced by A.
Protein change: p.Val75Glu; replaces valine 75 with glutamic acid.
Molecular consequence: missense variant.
Genome position (GRCh38, 1-based): chr19:12,665,741, A>T on the plus strand (T>A on the coding strand, the complement: MAN2B1 is on the minus strand). VCF-style: chr19-12665741-A-T. GRCh37 (hg19) VCF-style: chr19-12776555-A-T.
Other names: c.224T>A, p.Val75Glu (NM_001173498.2); short protein forms V75E.
Identifiers: ClinVar variation 657499 (VCV000657499.6), dbSNP rs938995975, ClinGen allele CA305479006.